The following is an entry in ClinVar:

ClinVar aggregate classification (germline): Pathogenic. Review status: criteria provided, multiple submitters, no conflicts (2 of 4 stars). 9 submissions from 9 submitters: Pathogenic (9). Last evaluated 2026-10-06.

Conditions:
NF1-related disorder. Also called: NF1-related condition. Identifiers: MedGen CN379171.
Hereditary cancer-predisposing syndrome. Also called: Tumor predisposition; Neoplastic Syndromes, Hereditary; Hereditary Cancer Syndrome; Hereditary neoplastic syndrome. Identifiers: Orphanet 140162, MedGen C0027672, MeSH D009386, MONDO:0015356.
Cardiovascular phenotype. Identifiers: MedGen CN230736.
Neurofibromatosis, type 1 (NF1). Also called: NEUROFIBROMATOSIS, TYPE I, SOMATIC; Neurofibromatosis, type I; VON RECKLINGHAUSEN DISEASE; Peripheral type neurofibromatosis. Identifiers: Orphanet 636, MedGen C0027831, MONDO:0018975, OMIM 162200. Disease mechanism: loss of function.

Allele frequency attached by ClinVar (database versions not stated): gnomAD exomes below 0.00001.
gnomAD v4.1: 1 of 1,612,856 alleles (0.000062%); highest among the groups gnomAD compares: Non-Finnish European, 0.000085%; no homozygotes.

Submissions (9):

NHS Central & South Genomic Laboratory Hub
Classification: Pathogenic for Neurofibromatosis type 1. Last evaluated: 2026-10-06. Review status: criteria provided, single submitter. Criteria: ACMG Guidelines, 2015. Collection method: clinical testing. Allele origin: germline. Affected: yes.

Labcorp Genetics (formerly Invitae), Labcorp
Classification: Pathogenic for Neurofibromatosis, type 1. Last evaluated: 2025-12-24. Review status: criteria provided, single submitter. Criteria: Invitae Variant Classification Sherloc (09022015). Collection method: clinical testing. Allele origin: germline.
Comment: This sequence change affects a donor splice site in intron 42 of the NF1 gene. It is expected to disrupt RNA splicing. Variants that disrupt the donor or acceptor splice site typically lead to a loss of protein function (PMID: 16199547), and loss-of-function variants in NF1 are known to be pathogenic (PMID: 10712197, 23913538). This variant is not present in population databases (gnomAD no frequency). Disruption of this splice site has been observed in individuals with clinical features of neurofibromatosis type 1 (PMID: 16835897, 23913538; internal data). Invitae Evidence Modeling of clinical and family history, age, sex, and reported ancestry of multiple individuals with this NF1 variant has been performed. This variant is expected to be pathogenic with a positive predictive value of at least 99%. This is a validated machine learning model that incorporates the clinical features of 1,785,918 individuals referred to our laboratory for NF1 testing. ClinVar contains an entry for this variant (Variation ID: 404558). Algorithms developed to predict the effect of sequence changes on RNA splicing suggest that this variant may disrupt the consensus splice site. For these reasons, this variant has been classified as Pathogenic.

Institute for Genomic Medicine (IGM) Clinical Laboratory, Nationwide Children's Hospital
Classification: Pathogenic for Neurofibromatosis, type 1. Last evaluated: 2024-06-14. Review status: criteria provided, single submitter. Criteria: ACMG Guidelines, 2015. Collection method: clinical testing. Allele origin: germline.
Comment: This variant is predicted to result in loss of function through nonsense-mediated decay of the encoded transcript or premature truncation of the encoded protein in a gene in which loss of function is a known mechanism of disease (ACMG/AMP: PVS1). This variant has been reported at an elevated frequency in affected individuals/in multiple affected individuals in the literature (ACMG/AMP: PS4; PMIDs:23913538, 16835897, 10712197, 31370276). This variant is absent from or present at an exceedingly low frequency in gnomAD, a large-scale control population database (ACMG/AMP: PM2).

GeneDx
Classification: Pathogenic. Last evaluated: 2024-01-31. Review status: criteria provided, single submitter. Criteria: GeneDx Variant Classification Process June 2021. Collection method: clinical testing. Allele origin: germline. Affected: yes.
Comment: Canonical splice site variant demonstrated to result in exon skipping in a gene for which loss of function is a known mechanism of disease (PMID: 31370276); Not observed in large population cohorts (gnomAD); This variant is associated with the following publications: (PMID: 23913538, 34427956, 31370276)

Genome-Nilou Lab
Classification: Pathogenic for Neurofibromatosis, type 1. Last evaluated: 2022-03-15. Review status: criteria provided, single submitter. Criteria: ACMG Guidelines, 2015. Collection method: clinical testing. Allele origin: germline. Affected: no.

Ambry Genetics
Classification: Pathogenic for Cardiovascular phenotype; Hereditary cancer-predisposing syndrome. Last evaluated: 2020-06-01. Review status: criteria provided, single submitter. Criteria: Ambry Variant Classification Scheme 2023. Collection method: clinical testing. Allele origin: germline.
Comment: The c.6579+1G>T intronic pathogenic mutation results from a G to T substitution one nucleotide after coding exon 42 of the NF1 gene. This alteration was reported in two individuals with a clinical diagnosis of neurofibromatosis type 1 (Sabbagh A et al. Hum. Mutat., 2013 Nov;34:1510-8). RNA data indicate that this variant affects the donor site and results in an out-of-frame transcript (Giugliano T et al. Genes (Basel), 2019 07;10; Sabbagh A et al. Hum. Mutat., 2013 Nov;34:1510-8). In addition to the clinical data presented in the literature, alterations that disrupt the canonical splice site are expected to cause aberrant splicing, resulting in an abnormal protein or a transcript that is subject to nonsense-mediated mRNA decay. As such, this alteration is classified as a disease-causing mutation.

Blueprint Genetics
Classification: Pathogenic for NF1-related disorders. Last evaluated: 2020-03-20. Review status: criteria provided, single submitter. Criteria: ACMG Guidelines, 2015. Collection method: clinical testing. Allele origin: germline. Affected: yes. Observed: 1 variant allele.

Medical Genetics, University of Parma
Classification: Pathogenic for Neurofibromatosis, type 1. Last evaluated: 2019-12-20. Review status: criteria provided, single submitter. Criteria: ACMG Guidelines, 2015. Collection method: clinical testing. Allele origin: germline. Affected: yes.

Center for Human Genetics, Inc
Classification: Pathogenic for Neurofibromatosis, type 1. Last evaluated: 2016-11-01. Review status: criteria provided, single submitter. Criteria: ACMG Guidelines, 2015. Collection method: clinical testing. Allele origin: germline. Affected: yes.

Literature cited by the submitters: PubMed 16199547 (cited by Labcorp Genetics (formerly Invitae), Labcorp); PubMed 10712197 (cited by Labcorp Genetics (formerly Invitae), Labcorp and Institute for Genomic Medicine (IGM) Clinical Laboratory, Nationwide Children's Hospital); PubMed 23913538 (cited by Labcorp Genetics (formerly Invitae), Labcorp and Institute for Genomic Medicine (IGM) Clinical Laboratory, Nationwide Children's Hospital); PubMed 16835897 (cited by Labcorp Genetics (formerly Invitae), Labcorp and Institute for Genomic Medicine (IGM) Clinical Laboratory, Nationwide Children's Hospital); PubMed 31370276 (cited by Institute for Genomic Medicine (IGM) Clinical Laboratory, Nationwide Children's Hospital).

NM_001042492.3(NF1):c.6642+1G>T

Gene: NF1 (neurofibromin 1; plus strand). Cytogenetic location: 17q11.2.
Variant type: single nucleotide variant.
Coding change: c.6642+1G>T on transcript NM_001042492.3 (MANE Select); the canonical splice donor site of the intron after coding-DNA position 6642, G replaced by T.
Molecular consequence: splice donor variant.
Genome position (GRCh38, 1-based): chr17:31,337,583, G>T. VCF-style: chr17-31337583-G-T. GRCh37 (hg19) VCF-style: chr17-29664601-G-T.
Other names: c.6579+1G>T (NM_000267.4).
Identifiers: ClinVar variation 404558 (VCV000404558.17), dbSNP rs1060500345, ClinGen allele CA16615565.
Genomic context (GRCh38, chr17:31,337,583, plus strand): 5'-GAGACTTTTGCTTTGACATCCTTGGAAACAGTCACAGAAGCTTTGTTGGAGATCATGGAG[G>T]TATAGAAGCCAAAATGATAAGAAACTAAGTTAAAATCTTTTTTTAAAAATATGTTAATAC-3'